The following is an entry in ClinVar:

NM_013444.4(UBQLN2):c.1417A>G (p.Ile473Val)

Gene: UBQLN2 (ubiquilin 2; plus strand). Cytogenetic location: Xp11.21.
Variant type: single nucleotide variant.
Coding change: c.1417A>G on transcript NM_013444.4 (MANE Select); coding-DNA position 1417, A replaced by G.
Protein change: p.Ile473Val; replaces isoleucine 473 with valine.
Molecular consequence: missense variant.
Genome position (GRCh38, 1-based): chrX:56,565,290, A>G. VCF-style: chrX-56565290-A-G. GRCh37 (hg19) VCF-style: chrX-56591723-A-G.
Other names: short protein forms I473V.
Identifiers: ClinVar variation 1307602 (VCV001307602.2), dbSNP rs2146636461, ClinGen allele CA413380536.

ClinVar aggregate classification (germline): Uncertain significance (1 of 4 stars; one submission).

Submission:

GeneDx
Classification: Uncertain significance. Last evaluated: 2019-08-08. Review status: criteria provided, single submitter. Criteria: GeneDx Variant Classification Process June 2021. Collection method: clinical testing. Allele origin: germline. Affected: yes.
Comment: Not observed in large population cohorts (Lek et al., 2016); In silico analysis, which includes protein predictors and evolutionary conservation, supports that this variant does not alter protein structure/function; Has not been previously published as pathogenic or benign to our knowledge